The following is an entry in ClinVar:

ClinVar aggregate classification (germline): Pathogenic (1 of 4 stars; one submission).

Conditions:
Congenital myotonia, autosomal dominant form (THD). Also called: THOMSEN DISEASE; Myotonia congenita autosomal dominant. Identifiers: Orphanet 614, MedGen C2936781, MONDO:0008055, OMIM 160800.
Congenital myotonia, autosomal recessive form. Also called: BECKER DISEASE; Becker Generalized Myotonia; myotonia congenita, autosomal recessive. Identifiers: Orphanet 614, MedGen C0751360, MONDO:0009715, OMIM 255700.

Submission:

Labcorp Genetics (formerly Invitae), Labcorp
Classification: Pathogenic for Congenital myotonia, autosomal recessive form; Congenital myotonia, autosomal dominant form. Last evaluated: 2024-04-24. Review status: criteria provided, single submitter. Criteria: Invitae Variant Classification Sherloc (09022015). Collection method: clinical testing. Allele origin: germline.
Comment: This sequence change creates a premature translational stop signal (p.Pro521Argfs*58) in the CLCN1 gene. It is expected to result in an absent or disrupted protein product. Loss-of-function variants in CLCN1 are known to be pathogenic (PMID: 17932099, 22094069, 23739125). This variant is not present in population databases (gnomAD no frequency). This variant has not been reported in the literature in individuals affected with CLCN1-related conditions. For these reasons, this variant has been classified as Pathogenic.

Literature cited by the submitters: PubMed 17932099; PubMed 22094069; PubMed 23739125.

NM_000083.3(CLCN1):c.1562_1563del (p.Pro521fs)

Gene: CLCN1 (chloride voltage-gated channel 1; plus strand). Cytogenetic location: 7q34.
Variant type: Deletion.
Coding change: c.1562_1563del on transcript NM_000083.3 (MANE Select); coding-DNA positions 1562 to 1563, 2 bases deleted (CT; older notation c.1562_1563delCT).
Protein change: p.Pro521fs; shifts the reading frame from proline 521.
Molecular consequence: frameshift variant. On other transcripts: non-coding transcript variant (1).
Genome position (GRCh38, 1-based): chr7:143,339,601-143,339,602, CT deleted. VCF-style (leftmost placement, unchanged base first): chr7-143339600-CCT-C. GRCh37 (hg19) VCF-style: chr7-143036693-CCT-C.
Other names: short protein forms P521fs.
Identifiers: ClinVar variation 2931702 (VCV002931702.3), dbSNP rs2487084077, ClinGen allele CA2740094921.